The following is an entry in ClinVar:

ClinVar aggregate classification (germline): Conflicting classifications of pathogenicity. Review status: criteria provided, conflicting classifications (1 of 4 stars). 3 submissions from 3 submitters: Uncertain significance (1); Likely benign (2). Last evaluated 2026-01-29.

Conditions:
Inborn genetic diseases. Identifiers: MedGen C0950123, MeSH D030342.
Acrodysostosis 2 with or without hormone resistance. Also called: ACRODYSOSTOSIS 2 WITH HORMONE RESISTANCE; ACRODYSOSTOSIS 2 WITHOUT HORMONE RESISTANCE. Identifiers: Orphanet 280651, MedGen C3553250, MONDO:0013822, OMIM 614613.

Allele frequency attached by ClinVar (database versions not stated): gnomAD 0.00005; TOPMed 0.00006.
gnomAD v4.1: 74 of 1,613,186 alleles (0.0046%); highest among the groups gnomAD compares: Non-Finnish European, 0.0059%; no homozygotes.

Submissions (3):

Labcorp Genetics (formerly Invitae), Labcorp
Classification: Uncertain significance. Last evaluated: 2026-01-29. Review status: criteria provided, single submitter. Criteria: Invitae Variant Classification Sherloc (09022015). Collection method: clinical testing. Allele origin: germline.
Comment: This sequence change replaces proline, which is neutral and non-polar, with threonine, which is neutral and polar, at codon 261 of the PDE4D protein (p.Pro261Thr). This variant is present in population databases (rs749222606, gnomAD 0.01%). This variant has not been reported in the literature in individuals affected with PDE4D-related conditions. ClinVar contains an entry for this variant (Variation ID: 904304). Invitae Evidence Modeling of protein sequence and biophysical properties (such as structural, functional, and spatial information, amino acid conservation, physicochemical variation, residue mobility, and thermodynamic stability) indicates that this missense variant is not expected to disrupt PDE4D protein function with a negative predictive value of 80%. In summary, the available evidence is currently insufficient to determine the role of this variant in disease. Therefore, it has been classified as a Variant of Uncertain Significance.

Ambry Genetics
Classification: Likely benign for Inborn genetic diseases. Last evaluated: 2023-11-13. Review status: criteria provided, single submitter. Criteria: Ambry Variant Classification Scheme 2023. Collection method: clinical testing. Allele origin: germline.

Illumina Laboratory Services, Illumina
Classification: Likely benign for Acrodysostosis 2 with or without hormone resistance. Last evaluated: 2018-01-13. Review status: criteria provided, single submitter. Criteria: ICSL Variant Classification Criteria 13 December 2019. Collection method: clinical testing. Allele origin: germline.
Comment: This variant was observed in the ICSL laboratory as part of a predisposition screen in an ostensibly healthy population. It had not been previously curated by ICSL or reported in the Human Gene Mutation Database (HGMD: prior to June 1st, 2018), and was therefore a candidate for classification through an automated scoring system. Utilizing variant allele frequency, disease prevalence and penetrance estimates, and inheritance mode, an automated score was calculated to assess if this variant is too frequent to cause the disease. Based on the score and internal cut-off values, a variant classified as likely benign is not then subjected to further curation. The score for this variant resulted in a classification of likely benign for this disease.

NM_001104631.2(PDE4D):c.781C>A (p.Pro261Thr)

Genes: PDE4D (phosphodiesterase 4D; minus strand), LOC129993939 (ATAC-STARR-seq lymphoblastoid silent region 16037; plus strand). Cytogenetic location: 5q11.2.
Variant type: single nucleotide variant.
Coding change: c.781C>A on transcript NM_001104631.2 (MANE Select); coding-DNA position 781, C replaced by A.
Protein change: p.Pro261Thr; replaces proline 261 with threonine.
Molecular consequence: missense variant. On other transcripts: 5 prime UTR variant (1).
Genome position (GRCh38, 1-based): chr5:59,180,622, G>T on the plus strand (C>A on the coding strand, the complement: PDE4D is on the minus strand). VCF-style: chr5-59180622-G-T. GRCh37 (hg19) VCF-style: chr5-58476448-G-T.
Other names: c.598C>A, p.Pro200Thr (NM_001165899.2, NM_001364599.1, NM_001364600.2); c.589C>A, p.Pro197Thr (NM_001197218.2, NM_001364602.2); c.415C>A, p.Pro139Thr (NM_001197219.2); c.391C>A, p.Pro131Thr (NM_001197220.2); c.568C>A, p.Pro190Thr (NM_001349241.2); c.451C>A, p.Pro151Thr (NM_001349242.2); c.13C>A, p.Pro5Thr (NM_001349243.2, NM_001364604.1); c.-170C>A (NM_001364603.1); and 1 more; short protein forms P125T, P5T, P151T, P139T, P131T, P190T, P197T, P200T.
Identifiers: ClinVar variation 904304 (VCV000904304.8), dbSNP rs749222606, ClinGen allele CA3276326.